The following is an entry in ClinVar:

NM_001110556.2(FLNA):c.3523G>C (p.Ala1175Pro)

Gene: FLNA (filamin A; minus strand). Cytogenetic location: Xq28.
Variant type: single nucleotide variant.
Coding change: c.3523G>C on transcript NM_001110556.2 (MANE Select); coding-DNA position 3523, G replaced by C.
Protein change: p.Ala1175Pro; replaces alanine 1175 with proline.
Molecular consequence: missense variant.
Genome position (GRCh38, 1-based): chrX:154,360,272, C>G on the plus strand (G>C on the coding strand, the complement: FLNA is on the minus strand). VCF-style: chrX-154360272-C-G. GRCh37 (hg19) VCF-style: chrX-153588640-C-G.
Other names: c.3523G>C, p.Ala1175Pro (NM_001456.4); short protein forms A1175P.
Identifiers: ClinVar variation 432175 (VCV000432175.2), dbSNP rs370202395, ClinGen allele CA415226715.

ClinVar aggregate classification (germline): Likely pathogenic (1 of 4 stars; one submission).

Submission:

GeneDx
Classification: Likely pathogenic. Last evaluated: 2016-05-24. Review status: criteria provided, single submitter. Criteria: GeneDx Variant Classification (06012015). Collection method: clinical testing. Allele origin: germline. Affected: yes.
Comment: The A1175P variant in the FLNA gene has not been reported previously as a pathogenic variant, nor as a benign variant, to our knowledge. The A1175P variant was not observed in approximately 6,100 individuals of European and African American ancestry in the NHLBI Exome Sequencing Project, indicating it is not a common benign variant in these populations. The A1175P variant is a semi-conservative amino acid substitution, which may impact secondary protein structure as these residues differ in some properties. This substitution occurs at a position where amino acids with similar properties to Alanine are tolerated across species. In silico analysis predicts this variant is probably damaging to the protein structure/function. Therefore, we interpret A1175P as a likely pathogenic variant